The following is an entry in ClinVar:

ClinVar aggregate classification (germline): Pathogenic/Likely pathogenic. Review status: criteria provided, multiple submitters, no conflicts (2 of 4 stars). 2 submissions from 2 submitters: Pathogenic (1); Likely pathogenic (1). Last evaluated 2026-09-10.

Conditions:
MYH3-related disorder. Also called: MYH3-related condition; MYH3-Related Disorders. Identifiers: MedGen CN239329.

gnomAD v4.1: 5 of 1,614,114 alleles (0.00031%); highest among the groups gnomAD compares: Non-Finnish European, 0.00042%; no homozygotes.

Submissions (2):

PreventionGenetics, part of Exact Sciences
Classification: Likely pathogenic for MYH3-related condition. Last evaluated: 2026-09-10. Review status: criteria provided, single submitter. Criteria: ACMG Guidelines, 2015. Collection method: clinical testing. Allele origin: germline.
Comment: The MYH3 c.4681C>T variant is predicted to result in premature protein termination (p.Arg1561*). To our knowledge, this variant has not been reported in the literature. This variant is reported in 0.0018% of alleles in individuals of European (Non-Finnish) descent in gnomAD. Nonsense variants in MYH3 are expected to be pathogenic. This variant is interpreted as likely pathogenic.

Labcorp Genetics (formerly Invitae), Labcorp
Classification: Pathogenic. Last evaluated: 2025-02-23. Review status: criteria provided, single submitter. Criteria: Invitae Variant Classification Sherloc (09022015). Collection method: clinical testing. Allele origin: germline.
Comment: This sequence change creates a premature translational stop signal (p.Arg1561*) in the MYH3 gene. It is expected to result in an absent or disrupted protein product. Loss-of-function variants in MYH3 are known to be pathogenic (PMID: 29805041, 30008475). This variant is present in population databases (rs777408896, gnomAD 0.002%). This variant has not been reported in the literature in individuals affected with MYH3-related conditions. For these reasons, this variant has been classified as Pathogenic.

Literature cited by the submitters: PubMed 29805041 (cited by Labcorp Genetics (formerly Invitae), Labcorp); PubMed 30008475 (cited by Labcorp Genetics (formerly Invitae), Labcorp).

NM_002470.4(MYH3):c.4681C>T (p.Arg1561Ter)

Gene: MYH3 (myosin heavy chain 3; minus strand). Cytogenetic location: 17p13.1.
Variant type: single nucleotide variant.
Coding change: c.4681C>T on transcript NM_002470.4 (MANE Select); coding-DNA position 4681, C replaced by T.
Protein change: p.Arg1561Ter; replaces arginine 1561 with a stop codon.
Molecular consequence: nonsense.
Genome position (GRCh38, 1-based): chr17:10,632,751, G>A on the plus strand (C>T on the coding strand, the complement: MYH3 is on the minus strand). VCF-style: chr17-10632751-G-A. GRCh37 (hg19) VCF-style: chr17-10536068-G-A.
Other names: c.4681C>T (NM_002470.3); short protein forms R1561*.
Identifiers: ClinVar variation 4718219 (VCV004718219.2).